The following is an entry in ClinVar:

NM_138694.4(PKHD1):c.6121+1G>T

Gene: PKHD1 (PKHD1 ciliary IPT domain containing fibrocystin/polyductin; minus strand). Cytogenetic location: 6p12.2.
Variant type: single nucleotide variant.
Coding change: c.6121+1G>T on transcript NM_138694.4 (MANE Select); the canonical splice donor site of the intron after coding-DNA position 6121, G replaced by T.
Molecular consequence: splice donor variant.
Genome position (GRCh38, 1-based): chr6:51,934,109, C>A on the plus strand (G>T on the coding strand, the complement: PKHD1 is on the minus strand). VCF-style: chr6-51934109-C-A. GRCh37 (hg19) VCF-style: chr6-51798907-C-A.
Other names: c.6121+1G>T (NM_170724.3).
Identifiers: ClinVar variation 1508517 (VCV001508517.6), dbSNP rs2127767937, ClinGen allele CA364417559.

ClinVar aggregate classification (germline): Likely pathogenic (1 of 4 stars; one submission).

Conditions:
Autosomal recessive polycystic kidney disease (ARPKD). Also called: AR polycystic kidney disease. Identifiers: Orphanet 731, Orphanet 8378, MedGen C0085548, MeSH D017044, MONDO:0009889.

Submission:

Labcorp Genetics (formerly Invitae), Labcorp
Classification: Likely pathogenic for Autosomal recessive polycystic kidney disease. Last evaluated: 2021-11-26. Review status: criteria provided, single submitter. Criteria: Invitae Variant Classification Sherloc (09022015). Collection method: clinical testing. Allele origin: germline.
Comment: This variant has not been reported in the literature in individuals affected with PKHD1-related conditions. This sequence change affects a donor splice site in intron 37 of the PKHD1 gene. It is expected to disrupt RNA splicing. Variants that disrupt the donor or acceptor splice site typically lead to a loss of protein function (PMID: 16199547), and loss-of-function variants in PKHD1 are known to be pathogenic (PMID: 19940839). This variant is not present in population databases (gnomAD no frequency). Algorithms developed to predict the effect of sequence changes on RNA splicing suggest that this variant may disrupt the consensus splice site. In summary, the currently available evidence indicates that the variant is pathogenic, but additional data are needed to prove that conclusively. Therefore, this variant has been classified as Likely Pathogenic.

Literature cited by the submitters: PubMed 16199547; PubMed 19940839.